The following is an entry in ClinVar:

ClinVar aggregate classification (germline): Pathogenic (1 of 4 stars; one submission).

Conditions:
Neurofibromatosis, type 1 (NF1). Also called: Neurofibromatosis, type I; Peripheral type neurofibromatosis; VON RECKLINGHAUSEN DISEASE; NEUROFIBROMATOSIS, TYPE I, SOMATIC. Identifiers: Orphanet 636, MedGen C0027831, MONDO:0018975, OMIM 162200. Disease mechanism: loss of function.

Submission:

Labcorp Genetics (formerly Invitae), Labcorp
Classification: Pathogenic for Neurofibromatosis, type 1. Last evaluated: 2019-10-15. Review status: criteria provided, single submitter. Criteria: Invitae Variant Classification Sherloc (09022015). Collection method: clinical testing. Allele origin: germline.
Comment: For these reasons, this variant has been classified as Pathogenic. Loss-of-function variants in NF1 are known to be pathogenic (PMID: 10712197, 23913538). This variant has not been reported in the literature in individuals with NF1-related conditions. This variant is not present in population databases (ExAC no frequency). This sequence change creates a premature translational stop signal (p.Glu2182Aspfs*38) in the NF1 gene. It is expected to result in an absent or disrupted protein product.

Literature cited by the submitters: PubMed 10712197; PubMed 23913538.

NM_001042492.3(NF1):c.6609_6610del (p.Glu2203fs)

Gene: NF1 (neurofibromin 1; plus strand). Cytogenetic location: 17q11.2.
Variant type: Deletion.
Coding change: c.6609_6610del on transcript NM_001042492.3 (MANE Select); coding-DNA positions 6609 to 6610, 2 bases deleted (AA; older notation c.6609_6610delAA).
Protein change: p.Glu2203fs; shifts the reading frame from glutamic acid 2203.
Molecular consequence: frameshift variant.
Genome position (GRCh38, 1-based): chr17:31,337,549-31,337,550, AA deleted; deleting any 2 consecutive bases within chr17:31,337,548-31,337,550 gives the same sequence; the c. name uses the placement nearest the transcript's 3' end. VCF-style (leftmost placement, unchanged base first): chr17-31337547-GAA-G. GRCh37 (hg19) VCF-style: chr17-29664565-GAA-G.
Other names: c.6546_6547delAA, p.Glu2182Aspfs (NM_000267.4); short protein forms E2203fs, E2182fs.
Identifiers: ClinVar variation 969122 (VCV000969122.6), dbSNP rs2069708160, ClinGen allele CA1139665451.